The following is an entry in ClinVar:

NM_001377.3(DYNC2H1):c.12766-4A>G

Gene: DYNC2H1 (dynein cytoplasmic 2 heavy chain 1; plus strand). Cytogenetic location: 11q22.3.
Variant type: single nucleotide variant.
Coding change: c.12766-4A>G on transcript NM_001377.3 (MANE Select); 4 bases into the intron before coding-DNA position 12766, A replaced by G.
Molecular consequence: intron variant.
Genome position (GRCh38, 1-based): chr11:103,479,091, A>G. VCF-style: chr11-103479091-A-G. GRCh37 (hg19) VCF-style: chr11-103349819-A-G.
Other names: c.12787-4A>G (NM_001080463.2).
Identifiers: ClinVar variation 1433992 (VCV001433992.6), dbSNP rs764918619, ClinGen allele CA227471791.
Genomic context (GRCh38, chr11:103,479,091, plus strand): 5'-TATCTAATAATCTGTTTCCAAATAGTGTATTGCTTTATTTTAAAACAAGTTATTTTTTAA[A>G]CAGGATGCATGTGGTCCATATTCTCCGGATGAGTGCATCTCTTTGCCTGTTTACACAAGT-3'

ClinVar aggregate classification (germline): Uncertain significance (1 of 4 stars; one submission).

Conditions:
Jeune thoracic dystrophy. Also called: Short-rib thoracic dysplasia; Jeune syndrome; Infantile thoracic dystrophy; Thoracic pelvic phalangeal dystrophy; Jeune's syndrome; Chondroectodermal dysplasia-like syndrome. Identifiers: Orphanet 474, MedGen C0265275, MONDO:0018770.

Allele frequency attached by ClinVar (database versions not stated): gnomAD exomes below 0.00001; TOPMed below 0.00001; gnomAD 0.00001.
gnomAD v4.1: 3 of 1,613,082 alleles (0.00019%); highest among the groups gnomAD compares: Non-Finnish European, 0.00025%; no homozygotes.

Submission:

Labcorp Genetics (formerly Invitae), Labcorp
Classification: Uncertain significance for Jeune thoracic dystrophy. Last evaluated: 2021-12-16. Review status: criteria provided, single submitter. Criteria: Invitae Variant Classification Sherloc (09022015). Collection method: clinical testing. Allele origin: germline.
Comment: In summary, the available evidence is currently insufficient to determine the role of this variant in disease. Therefore, it has been classified as a Variant of Uncertain Significance. Algorithms developed to predict the effect of sequence changes on RNA splicing suggest that this variant may disrupt the consensus splice site. This variant has not been reported in the literature in individuals affected with DYNC2H1-related conditions. This variant is not present in population databases (gnomAD no frequency). This sequence change falls in intron 89 of the DYNC2H1 gene. It does not directly change the encoded amino acid sequence of the DYNC2H1 protein.